The following is an entry in ClinVar:

ClinVar aggregate classification (germline): Uncertain significance (1 of 4 stars; one submission).

Submission:

Labcorp Genetics (formerly Invitae), Labcorp
Classification: Uncertain significance. Last evaluated: 2022-04-10. Review status: criteria provided, single submitter. Criteria: Invitae Variant Classification Sherloc (09022015). Collection method: clinical testing. Allele origin: germline.
Comment: This sequence change replaces glycine, which is neutral and non-polar, with alanine, which is neutral and non-polar, at codon 607 of the COL13A1 protein (p.Gly607Ala). This variant is not present in population databases (gnomAD no frequency). This variant has not been reported in the literature in individuals affected with COL13A1-related conditions. Algorithms developed to predict the effect of missense changes on protein structure and function are either unavailable or do not agree on the potential impact of this missense change (SIFT: "Deleterious"; PolyPhen-2: "Probably Damaging"; Align-GVGD: "Class C0"). In summary, the available evidence is currently insufficient to determine the role of this variant in disease. Therefore, it has been classified as a Variant of Uncertain Significance.

NM_001368882.1(COL13A1):c.1853G>C (p.Gly618Ala)

Gene: COL13A1 (collagen type XIII alpha 1 chain; plus strand). Cytogenetic location: 10q22.1.
Variant type: single nucleotide variant.
Coding change: c.1853G>C on transcript NM_001368882.1 (MANE Select); coding-DNA position 1853, G replaced by C.
Protein change: p.Gly618Ala; replaces glycine 618 with alanine.
Molecular consequence: missense variant.
Genome position (GRCh38, 1-based): chr10:69,937,690, G>C. VCF-style: chr10-69937690-G-C. GRCh37 (hg19) VCF-style: chr10-71697446-G-C.
Other names: c.1820G>C, p.Gly607Ala (NM_001130103.2); c.1745G>C, p.Gly582Ala (NM_001320951.2); c.1730G>C, p.Gly577Ala (NM_001368883.1); c.1703G>C, p.Gly568Ala (NM_001368884.1); c.1667G>C, p.Gly556Ala (NM_001368885.1); c.1145G>C, p.Gly382Ala (NM_001368886.1); c.1676G>C, p.Gly559Ala (NM_001368895.1); c.1562G>C, p.Gly521Ala (NM_001368896.1); and 7 more; short protein forms G535A, G541A, G577A, G582A, G585A, G530A, G559A, G607A.
Identifiers: ClinVar variation 2124219 (VCV002124219.4), dbSNP rs2545648391, ClinGen allele CA376932375.